The following is an entry in ClinVar:

NM_001105206.3(LAMA4):c.4840T>G (p.Phe1614Val)

Gene: LAMA4 (laminin subunit alpha 4; minus strand). Cytogenetic location: 6q21.
Variant type: single nucleotide variant.
Coding change: c.4840T>G on transcript NM_001105206.3 (MANE Select); coding-DNA position 4840, T replaced by G.
Protein change: p.Phe1614Val; replaces phenylalanine 1614 with valine.
Molecular consequence: missense variant.
Genome position (GRCh38, 1-based): chr6:112,117,880, A>C on the plus strand (T>G on the coding strand, the complement: LAMA4 is on the minus strand). VCF-style: chr6-112117880-A-C. GRCh37 (hg19) VCF-style: chr6-112439083-A-C.
Other names: c.4819T>G, p.Phe1607Val (NM_001105207.3, NM_002290.5); short protein forms F1607V, F1614V.
Identifiers: ClinVar variation 1743333 (VCV001743333.2), dbSNP rs2546971917, ClinGen allele CA365366919.

ClinVar aggregate classification (germline): Uncertain significance (1 of 4 stars; one submission).

Conditions:
Cardiovascular phenotype. Identifiers: MedGen CN230736.

Submission:

Ambry Genetics
Classification: Uncertain significance for Cardiovascular phenotype. Last evaluated: 2022-05-27. Review status: criteria provided, single submitter. Criteria: Ambry Variant Classification Scheme 2023. Collection method: clinical testing. Allele origin: germline.
Comment: The p.F1607V variant (also known as c.4819T>G), located in coding exon 34 of the LAMA4 gene, results from a T to G substitution at nucleotide position 4819. The phenylalanine at codon 1607 is replaced by valine, an amino acid with highly similar properties. This amino acid position is conserved. In addition, this alteration is predicted to be deleterious by in silico analysis. Since supporting evidence is limited at this time, the clinical significance of this alteration remains unclear.